The following is an entry in ClinVar:

NM_002618.4(PEX13):c.59C>G (p.Ala20Gly)

Genes: PEX13 (peroxisomal biogenesis factor 13; plus strand), PUS10 (pseudouridine synthase 10; minus strand). Cytogenetic location: 2p15.
Variant type: single nucleotide variant.
Coding change: c.59C>G on transcript NM_002618.4 (MANE Select); coding-DNA position 59, C replaced by G.
Protein change: p.Ala20Gly; replaces alanine 20 with glycine.
Molecular consequence: missense variant. On other transcripts: intron variant (2).
Genome position (GRCh38, 1-based): chr2:61,017,818, C>G. VCF-style: chr2-61017818-C-G. GRCh37 (hg19) VCF-style: chr2-61244953-C-G.
Other names: c.-16+190G>C (NM_144709.4); c.-623+190G>C (NM_001322127.1); short protein forms A20G.
Identifiers: ClinVar variation 1469235 (VCV001469235.3), dbSNP rs2104787633, ClinGen allele CA346937034.

ClinVar aggregate classification (germline): Uncertain significance (1 of 4 stars; one submission).

Conditions:
Peroxisome biogenesis disorder 11A (Zellweger). Also called: Peroxisome biogenesis disorder 11A. Identifiers: Orphanet 912, MedGen C3554000, MONDO:0013949, OMIM 614883.

Submission:

Labcorp Genetics (formerly Invitae), Labcorp
Classification: Uncertain significance for Peroxisome biogenesis disorder 11A (Zellweger). Last evaluated: 2021-09-03. Review status: criteria provided, single submitter. Criteria: Invitae Variant Classification Sherloc (09022015). Collection method: clinical testing. Allele origin: germline.
Comment: This sequence change replaces alanine with glycine at codon 20 of the PEX13 protein (p.Ala20Gly). The alanine residue is weakly conserved and there is a small physicochemical difference between alanine and glycine. This variant is not present in population databases (ExAC no frequency). This variant has not been reported in the literature in individuals affected with PEX13-related conditions. Algorithms developed to predict the effect of missense changes on protein structure and function (SIFT, PolyPhen-2, Align-GVGD) all suggest that this variant is likely to be tolerated. In summary, the available evidence is currently insufficient to determine the role of this variant in disease. Therefore, it has been classified as a Variant of Uncertain Significance.